The following is an entry in ClinVar:

NM_016239.4(MYO15A):c.4252G>A (p.Gly1418Arg)

Gene: MYO15A (myosin XVA; plus strand). Cytogenetic location: 17p11.2.
Variant type: single nucleotide variant.
Coding change: c.4252G>A on transcript NM_016239.4 (MANE Select); coding-DNA position 4252, G replaced by A.
Protein change: p.Gly1418Arg; replaces glycine 1418 with arginine.
Molecular consequence: missense variant.
Genome position (GRCh38, 1-based): chr17:18,132,498, G>A. VCF-style: chr17-18132498-G-A. GRCh37 (hg19) VCF-style: chr17-18035812-G-A.
Other names: short protein forms G1418R.
Identifiers: ClinVar variation 1120059 (VCV001120059.37), dbSNP rs753790346, ClinGen allele CA8423831.

ClinVar aggregate classification (germline): Pathogenic/Likely pathogenic. Review status: criteria provided, multiple submitters, no conflicts (2 of 4 stars). 7 submissions from 7 submitters: Pathogenic (5); Likely pathogenic (2). Last evaluated 2026-04-28.

Conditions:
Rare genetic deafness. Identifiers: Orphanet 96210, MedGen C5680250.
Inborn genetic diseases. Identifiers: MedGen C0950123, MeSH D030342.
Autosomal recessive nonsyndromic hearing loss 3. Also called: NEUROSENSORY NONSYNDROMIC RECESSIVE DEAFNESS 3. Identifiers: Orphanet 90636, MedGen C1838263, MONDO:0010860, OMIM 600316.
Hearing loss, autosomal recessive. Also called: Deafness, autosomal recessive; Autosomal recessive nonsyndromic deafness; Rare autosomal recessive non-syndromic sensorineural deafness type DFNB; Nonsyndromic Hearing Loss, Recessive. Identifiers: Orphanet 90635, Orphanet 90636, MedGen C1846647, MONDO:0019588, OMIM 607197.

Allele frequency attached by ClinVar (database versions not stated): gnomAD 0.00001; gnomAD exomes 0.00001; TOPMed 0.00001; ExAC 0.00001.
gnomAD v4.1: 5 of 1,613,792 alleles (0.00031%); highest among the groups gnomAD compares: Admixed American, 0.0017%; no homozygotes.

Submissions (7):

Ambry Genetics
Classification: Pathogenic for Inborn genetic diseases. Last evaluated: 2026-04-28. Review status: criteria provided, single submitter. Criteria: Ambry Variant Classification Scheme 2023. Collection method: clinical testing. Allele origin: germline.
Comment: The c.4252G>A (p.G1418R) alteration is located in exon 11 (coding exon 10) of the MYO15A gene. This alteration results from a G to A substitution at nucleotide position 4252, causing the glycine (G) at amino acid position 1418 to be replaced by an arginine (R). Based on data from gnomAD, the A allele has an overall frequency of 0.001% (2/249096) total alleles studied. The highest observed frequency was 0.003% (1/30602) of South Asian alleles. This variant has been identified in the homozygous state and/or in conjunction with other MYO15A variant(s) in individual(s) with features consistent with MYO15A-related deafness; in at least one instance, the variants were identified in trans (Park, 2014; Fu, 2022). This amino acid position is highly conserved in available vertebrate species. This alteration is predicted to be deleterious by in silico analysis. Based on the available evidence, this alteration is classified as pathogenic.

Laboratory of Human Genetics, Universidade de São Paulo
Classification: Pathogenic for Hearing loss, autosomal recessive. Last evaluated: 2024-05-01. Review status: criteria provided, single submitter. Criteria: ClinGen HL ACMG Specifications v1. Collection method: research. Allele origin: maternal. Affected: yes. Observed: 2 variant alleles.
Comment: The MYO15A NM_016239.3:c.4252G>A variant has extremely low frequency in gnomAD population databases, For recessive disorders, detected in trans with a pathogenic variant, or in a homozygous or compound heterozygous state in affected cases (PM3), computational prediction tools unanimously support a deleterious effect on the gene (PP3). In this report it was found in trans with c.8080C>A, in two affected siblings born from unrelated couple.

Fulgent Genetics
Classification: Likely pathogenic for Autosomal recessive nonsyndromic hearing loss 3. Last evaluated: 2024-01-06. Review status: criteria provided, single submitter. Criteria: ACMG Guidelines, 2015. Collection method: clinical testing. Allele origin: germline.

GeneDx
Classification: Pathogenic. Last evaluated: 2023-12-08. Review status: criteria provided, single submitter. Criteria: GeneDx Variant Classification Process June 2021. Collection method: clinical testing. Allele origin: germline. Affected: yes.
Comment: Not observed at a significant frequency in large population cohorts (gnomAD); In silico analysis supports that this missense variant has a deleterious effect on protein structure/function; This variant is associated with the following publications: (PMID: 34416374, 25373420, 30953472, 35346193)

Labcorp Genetics (formerly Invitae), Labcorp
Classification: Pathogenic. Last evaluated: 2023-11-21. Review status: criteria provided, single submitter. Criteria: Invitae Variant Classification Sherloc (09022015). Collection method: clinical testing. Allele origin: germline.
Comment: This sequence change replaces glycine, which is neutral and non-polar, with arginine, which is basic and polar, at codon 1418 of the MYO15A protein (p.Gly1418Arg). This variant is present in population databases (rs753790346, gnomAD 0.003%). This missense change has been observed in individual(s) with autosomal recessive deafness (PMID: 25373420, 30953472; Invitae). In at least one individual the data is consistent with being in trans (on the opposite chromosome) from a pathogenic variant. ClinVar contains an entry for this variant (Variation ID: 1120059). Advanced modeling of protein sequence and biophysical properties (such as structural, functional, and spatial information, amino acid conservation, physicochemical variation, residue mobility, and thermodynamic stability) performed at Invitae indicates that this missense variant is expected to disrupt MYO15A protein function with a positive predictive value of 95%. For these reasons, this variant has been classified as Pathogenic.

Laboratory for Molecular Medicine, Mass General Brigham Personalized Medicine
Classification: Likely pathogenic for Rare genetic deafness. Last evaluated: 2023-06-19. Review status: criteria provided, single submitter. Criteria: ACMG Guidelines, 2015. Collection method: clinical testing. Allele origin: germline.
Comment: The p.Gly1418Arg variant in MYO15A has been previously reported in three compound heterozygous individuals with congenital profound hearing loss (Park 2014 PMID: 25373420, Zhang 2019 PMID: 30953472, LMM internal data). This variant has been identified in 0.0065% (1/15280) of Latino chromosomes by gnomAD (v.3.1.2); however, this frequency is low enough to be consistent with a recessive allele frequency. Computational prediction tools and conservation analysis suggest that this variant may impact the protein, though this information is not predictive enough to determine pathogenicity. In summary, although additional studies are required to fully establish its clinical significance, this variant meets criteria to be classified as likely pathogenic for autosomal recessive hearing loss. ACMG/AMP Criteria applied: PM3_Strong, PM2_Supporting, PP3.

Molecular Diagnosis Center for Deafness
Classification: Pathogenic for Autosomal recessive nonsyndromic hearing loss 3. Review status: criteria provided, single submitter. Criteria: ClinGen HL ACMG Specifications v1. Collection method: clinical testing. Allele origin: maternal. Observed: 1 variant allele.

Literature cited by the submitters: PubMed 25373420 (cited by 3 submitters); PubMed 35346193 (cited by Ambry Genetics); PubMed 30953472 (cited by Labcorp Genetics (formerly Invitae), Labcorp and Laboratory for Molecular Medicine, Mass General Brigham Personalized Medicine).